The following is an entry in ClinVar:

ClinVar aggregate classification (germline): Uncertain significance (1 of 4 stars; one submission).

gnomAD v4.1: 2 of 1,610,292 alleles (0.00012%); highest among the groups gnomAD compares: African/African-American, 0.0013%; no homozygotes.

Submission:

GeneDx
Classification: Uncertain significance. Last evaluated: 2023-11-21. Review status: criteria provided, single submitter. Criteria: GeneDx Variant Classification Process June 2021. Collection method: clinical testing. Allele origin: germline. Affected: yes.
Comment: Not observed at significant frequency in large population cohorts (gnomAD); In silico analysis supports that this missense variant has a deleterious effect on protein structure/function; Has not been previously published as pathogenic or benign to our knowledge

NM_001378418.1(TCF20):c.5633C>T (p.Ala1878Val)

Gene: TCF20 (transcription factor 20; minus strand). Cytogenetic location: 22q13.2.
Variant type: single nucleotide variant.
Coding change: c.5633C>T on transcript NM_001378418.1 (MANE Select); coding-DNA position 5633, C replaced by T.
Protein change: p.Ala1878Val; replaces alanine 1878 with valine.
Molecular consequence: missense variant.
Genome position (GRCh38, 1-based): chr22:42,209,673, G>A on the plus strand (C>T on the coding strand, the complement: TCF20 is on the minus strand). VCF-style: chr22-42209673-G-A. GRCh37 (hg19) VCF-style: chr22-42605679-G-A.
Other names: c.5633C>T, p.Ala1878Val (NM_005650.4, NM_181492.3); short protein forms A1878V.
Identifiers: ClinVar variation 3364764 (VCV003364764.1).